The following is an entry in ClinVar:

NM_001371279.1(REEP1):c.192dup (p.Tyr65fs)

Gene: REEP1 (receptor accessory protein 1; minus strand). Cytogenetic location: 2p11.2.
Variant type: Duplication.
Coding change: c.192dup on transcript NM_001371279.1 (MANE Select); coding-DNA position 192, one base duplicated (C; older notation c.192dupC).
Protein change: p.Tyr65fs; shifts the reading frame from tyrosine 65.
Molecular consequence: frameshift variant. On other transcripts: intron variant (1).
Genome position (GRCh38, 1-based): chr2:86,254,805, G duplicated on the plus strand (C on the coding strand, the reverse complement: REEP1 is on the minus strand). VCF-style (leftmost placement, unchanged base first): chr2-86254804-A-AG. GRCh37 (hg19) VCF-style: chr2-86481927-A-AG.
Other names: c.213dup, p.Tyr72fs (NM_001164730.2); c.111dup, p.Tyr38fs (NM_001164731.2); c.192dup, p.Tyr65fs (NM_001371280.1, NM_001410855.1, NM_001410856.1 and 1 more transcripts); c.182+9160dup (NM_001164732.2); short protein forms Y38fs, Y65fs, Y72fs.
Identifiers: ClinVar variation 5020091 (VCV005020091.1).

ClinVar aggregate classification (germline): Likely pathogenic (1 of 4 stars; one submission).

Conditions:
Hereditary spastic paraplegia 31. Also called: SPASTIC PARAPLEGIA 31, AUTOSOMAL DOMINANT. Identifiers: Orphanet 101011, MedGen C1853247, MONDO:0012453, OMIM 610250.

Submission:

Division of Genetic & Genomic Pathology, Hong Kong Children's Hospital
Classification: Likely pathogenic for Hereditary spastic paraplegia 31. Last evaluated: 2025-03-20. Review status: criteria provided, single submitter. Criteria: ACMG Guidelines, 2015. Collection method: clinical testing. Allele origin: germline. Affected: yes.
Comment: REEP1 c.192dup is a 1 bp frameshift duplication located in exon 4 (out of 9 exons). It creates a premature stop codon, which is predicted to cause loss of protein function through nonsense mediated mRNA decay. This variant is absent in population control databases (gnomAD v2.1.1 and v4.1.0) and clinical databases (ClinVar and HGMD Professional 2024.4). The proposed disease-causing mechanism for REEP1-related spastic paraplegia is haploinsufficiency (PMID: 16826527, 24478229). For these reasons, the variant is classified as likely pathogenic.

Literature cited by the submitters: PubMed 16826527; PubMed 24478229.